The following is an entry in ClinVar:

NC_000001.10:g.(?_24172205)_(24194776_?)dup

Gene: FUCA1 (alpha-L-fucosidase 1; minus strand). Cytogenetic location: 1p36.11.
Variant type: Duplication.
Identifiers: ClinVar variation 2422466 (VCV002422466.3).

ClinVar aggregate classification (germline): Uncertain significance (1 of 4 stars; one submission).

Conditions:
Fucosidosis. Also called: ALPHA-L-FUCOSIDASE DEFICIENCY. Identifiers: Orphanet 349, MedGen C0016788, MONDO:0009254, OMIM 230000.

Submission:

Labcorp Genetics (formerly Invitae), Labcorp
Classification: Uncertain significance for Fucosidosis. Last evaluated: 2022-07-01. Review status: criteria provided, single submitter. Criteria: Invitae Variant Classification Sherloc (09022015). Collection method: clinical testing. Allele origin: germline.
Comment: A copy number gain of the genomic region encompassing the full coding sequence of the FUCA1 gene has been identified. The boundaries of this event are unknown as they extend beyond the assayed region for this gene and therefore may encompass additional genes. As the precise location of this event is unknown, it may be in tandem or it may be located elsewhere in the genome. This variant has not been reported in the literature in individuals affected with FUCA1-related conditions. In summary, the available evidence is currently insufficient to determine the role of this variant in disease. Therefore, it has been classified as a Variant of Uncertain Significance.